The following is an entry in ClinVar:

NM_000256.3(MYBPC3):c.2343C>A (p.Ser781Arg)

Gene: MYBPC3 (myosin binding protein C3; minus strand). Cytogenetic location: 11p11.2.
Variant type: single nucleotide variant.
Coding change: c.2343C>A on transcript NM_000256.3 (MANE Select); coding-DNA position 2343, C replaced by A.
Protein change: p.Ser781Arg; replaces serine 781 with arginine.
Molecular consequence: missense variant.
Genome position (GRCh38, 1-based): chr11:47,337,760, G>T on the plus strand (C>A on the coding strand, the complement: MYBPC3 is on the minus strand). VCF-style: chr11-47337760-G-T. GRCh37 (hg19) VCF-style: chr11-47359311-G-T.
Other names: short protein forms S781R.
Identifiers: ClinVar variation 2860007 (VCV002860007.3), dbSNP rs2495750526, ClinGen allele CA380318963.

ClinVar aggregate classification (germline): Uncertain significance (1 of 4 stars; one submission).

Conditions:
Hypertrophic cardiomyopathy. Also called: HYPERTROPHIC MYOCARDIOPATHY. Identifiers: Orphanet 217569, MedGen C0007194, MeSH D002312, MONDO:0005045, HP:0001639.

Submission:

Labcorp Genetics (formerly Invitae), Labcorp
Classification: Uncertain significance for Hypertrophic cardiomyopathy. Last evaluated: 2023-05-02. Review status: criteria provided, single submitter. Criteria: Invitae Variant Classification Sherloc (09022015). Collection method: clinical testing. Allele origin: germline.
Comment: In summary, the available evidence is currently insufficient to determine the role of this variant in disease. Therefore, it has been classified as a Variant of Uncertain Significance. An algorithm developed to predict the effect of missense changes on protein structure and function (PolyPhen-2) suggests that this variant is likely to be disruptive. This variant has not been reported in the literature in individuals affected with MYBPC3-related conditions. This variant is not present in population databases (gnomAD no frequency). This sequence change replaces serine, which is neutral and polar, with arginine, which is basic and polar, at codon 781 of the MYBPC3 protein (p.Ser781Arg).